The following is an entry in ClinVar:

ClinVar aggregate classification (germline): Uncertain significance. Review status: criteria provided, multiple submitters, no conflicts (2 of 4 stars). 4 submissions from 4 submitters: Uncertain significance (4). Last evaluated 2025-07-16.

Conditions:
CEP290-related disorder. Also called: CEP290-related condition; CEP290-related disorders. Identifiers: MedGen CN239314.
Joubert syndrome 5 (JBTS5). Identifiers: Orphanet 2318, MedGen C1857780, MONDO:0012432, OMIM 610188.
Leber congenital amaurosis 10 (LCA10). Identifiers: Orphanet 65, MedGen C1857821, MONDO:0012723, OMIM 611755.
Meckel syndrome, type 4 (MKS4). Also called: MECKEL-GRUBER SYNDROME, TYPE 4. Identifiers: Orphanet 564, MedGen C1970161, MONDO:0012626, OMIM 611134.
Senior-Loken syndrome 6 (SLSN6). Identifiers: Orphanet 3156, MedGen C1857779, MONDO:0012433, OMIM 610189.
Bardet-Biedl syndrome 14 (BBS14). Identifiers: Orphanet 110, MedGen C2673874, MONDO:0014442, OMIM 615991.
Inborn genetic diseases. Identifiers: MedGen C0950123, MeSH D030342.
Meckel-Gruber syndrome. Also called: DYSENCEPHALIA SPLANCHNOCYSTICA; GRUBER SYNDROME; Dysencephalia splachnocystica. Identifiers: Orphanet 564, MedGen C0265215, MONDO:0018921.
Nephronophthisis. Also called: Juvenile Nephronophthisis. Identifiers: Orphanet 655, MedGen C0687120, MONDO:0019005, HP:0000090.
Joubert syndrome. Also called: Familial aplasia of the vermis; JOUBERT-BOLTSHAUSER SYNDROME. Identifiers: Orphanet 475, MedGen C5979921, MONDO:0018772.

Allele frequency attached by ClinVar (database versions not stated): gnomAD exomes below 0.00001.
gnomAD v4.1: 4 of 1,607,678 alleles (0.00025%); highest among the groups gnomAD compares: African/African-American, 0.0053%; no homozygotes.

Submissions (4):

PreventionGenetics, part of Exact Sciences
Classification: Uncertain significance for CEP290-related condition. Last evaluated: 2025-07-16. Review status: criteria provided, single submitter. Criteria: ACMG Guidelines, 2015. Collection method: clinical testing. Allele origin: germline.
Comment: The CEP290 c.3638G>C variant is predicted to result in the amino acid substitution p.Ser1213Thr. To our knowledge, this variant has not been reported in the literature. This variant is reported in 0.0068% of alleles in individuals of African descent in gnomAD. At this time, the clinical significance of this variant is uncertain due to the absence of conclusive functional and genetic evidence.

Fulgent Genetics
Classification: Uncertain significance for Joubert syndrome 5; Senior-Loken syndrome 6; Meckel syndrome, type 4; Leber congenital amaurosis 10; Bardet-Biedl syndrome 14. Last evaluated: 2024-01-05. Review status: criteria provided, single submitter. Criteria: ACMG Guidelines, 2015. Collection method: clinical testing. Allele origin: germline.

Labcorp Genetics (formerly Invitae), Labcorp
Classification: Uncertain significance for Joubert syndrome; Meckel-Gruber syndrome; Nephronophthisis. Last evaluated: 2022-05-25. Review status: criteria provided, single submitter. Criteria: Invitae Variant Classification Sherloc (09022015). Collection method: clinical testing. Allele origin: germline.
Comment: This sequence change replaces serine, which is neutral and polar, with threonine, which is neutral and polar, at codon 1213 of the CEP290 protein (p.Ser1213Thr). This variant is present in population databases (no rsID available, gnomAD 0.007%). This variant has not been reported in the literature in individuals affected with CEP290-related conditions. Algorithms developed to predict the effect of missense changes on protein structure and function are either unavailable or do not agree on the potential impact of this missense change (SIFT: "Deleterious"; PolyPhen-2: "Benign"; Align-GVGD: "Class C0"). In summary, the available evidence is currently insufficient to determine the role of this variant in disease. Therefore, it has been classified as a Variant of Uncertain Significance.

Ambry Genetics
Classification: Uncertain significance for Inborn genetic diseases. Last evaluated: 2021-06-25. Review status: criteria provided, single submitter. Criteria: Ambry Variant Classification Scheme 2023. Collection method: clinical testing. Allele origin: germline.

NM_025114.4(CEP290):c.3638G>C (p.Ser1213Thr)

Gene: CEP290 (centrosomal protein 290; minus strand). Cytogenetic location: 12q21.32.
Variant type: single nucleotide variant.
Coding change: c.3638G>C on transcript NM_025114.4 (MANE Select); coding-DNA position 3638, G replaced by C.
Protein change: p.Ser1213Thr; replaces serine 1213 with threonine.
Molecular consequence: missense variant.
Genome position (GRCh38, 1-based): chr12:88,089,423, C>G on the plus strand (G>C on the coding strand, the complement: CEP290 is on the minus strand). VCF-style: chr12-88089423-C-G. GRCh37 (hg19) VCF-style: chr12-88483200-C-G.
Other names: short protein forms S1213T.
Identifiers: ClinVar variation 1970020 (VCV001970020.5), dbSNP rs1298290891, ClinGen allele CA386001053.